The following is an entry in ClinVar:

NM_000108.5(DLD):c.362del (p.Asp121fs)

Gene: DLD (dihydrolipoamide dehydrogenase; plus strand). Cytogenetic location: 7q31.1.
Variant type: Deletion.
Coding change: c.362del on transcript NM_000108.5 (MANE Select); coding-DNA position 362, one base deleted (A; older notation c.362delA).
Protein change: p.Asp121fs; shifts the reading frame from aspartic acid 121.
Molecular consequence: frameshift variant.
Genome position (GRCh38, 1-based): chr7:107,904,982, A deleted. VCF-style (leftmost placement, unchanged base first): chr7-107904981-GA-G. GRCh37 (hg19) VCF-style: chr7-107545426-GA-G.
Other names: c.65del, p.Asp22fs (NM_001289750.1); c.293del, p.Asp98fs (NM_001289751.1); c.362del, p.Asp121fs (NM_001289752.1); short protein forms D22fs, D121fs, D98fs.
Identifiers: ClinVar variation 1454310 (VCV001454310.6), dbSNP rs2116219533, ClinGen allele CA2573141416.

ClinVar aggregate classification (germline): Pathogenic (1 of 4 stars; one submission).

Conditions:
Pyruvate dehydrogenase E3 deficiency (DLDD). Also called: Dihydrolipoamide Dehydrogenase E3 Deficiency; Dihydrolipoamide Dehydrogenase Deficiency; DLD DEFICIENCY; E3 DEFICIENCY; Lipoamide dehydrogenase deficiency, lactic acidosis due to; Lipoamide dehydrogenase deficiency. Identifiers: Orphanet 2394, Orphanet 765, MedGen C5574660, MONDO:0009529, OMIM 246900.

Submission:

Labcorp Genetics (formerly Invitae), Labcorp
Classification: Pathogenic for Pyruvate dehydrogenase E3 deficiency. Last evaluated: 2021-03-02. Review status: criteria provided, single submitter. Criteria: Invitae Variant Classification Sherloc (09022015). Collection method: clinical testing. Allele origin: germline.
Comment: This variant has not been reported in the literature in individuals with DLD-related conditions. For these reasons, this variant has been classified as Pathogenic. This sequence change creates a premature translational stop signal (p.Asp121Alafs*3) in the DLD gene. It is expected to result in an absent or disrupted protein product. Loss-of-function variants in DLD are known to be pathogenic (PMID: 8968745, 9934985). This variant is not present in population databases (ExAC no frequency). Algorithms developed to predict the effect of sequence changes on RNA splicing suggest that this variant may create or strengthen a splice site, but this prediction has not been confirmed by published transcriptional studies.

Literature cited by the submitters: PubMed 8968745; PubMed 9934985.